The following is an entry in ClinVar:

ClinVar aggregate classification (germline): Benign/Likely benign. Review status: criteria provided, multiple submitters, no conflicts (2 of 4 stars). 4 submissions from 4 submitters: Benign (1); Likely benign (2). 1 of the submissions does not count toward it. Last evaluated 2026-01-27.

Conditions:
IFT172-related disorder. Also called: IFT172-related disorders; IFT172-related condition.
Retinitis pigmentosa 71 (RP71). Identifiers: Orphanet 791, MedGen C4225342, MONDO:0014618, OMIM 616394.
Short-rib thoracic dysplasia 10 with or without polydactyly (SRTD10). Identifiers: Orphanet 474, MedGen C3810175, MONDO:0014284, OMIM 615630.

Allele frequency attached by ClinVar (database versions not stated): gnomAD 0.00046; TOPMed 0.00049; gnomAD exomes 0.00070 and 0.00047; ESP Exome Variant Server 0.00077; ExAC 0.00071.
gnomAD v4.1: 788 of 1,611,342 alleles (0.049%); highest among the groups gnomAD compares: Middle Eastern, 0.051%; 1 homozygote.

Submissions (4):

Labcorp Genetics (formerly Invitae), Labcorp
Classification: Benign for Retinitis pigmentosa 71; Short-rib thoracic dysplasia 10 with or without polydactyly. Last evaluated: 2026-01-27. Review status: criteria provided, single submitter. Criteria: Invitae Variant Classification Sherloc (09022015). Collection method: clinical testing. Allele origin: germline.

Blueprint Genetics
Classification: Likely benign. Last evaluated: 2024-10-08. Review status: criteria provided, single submitter. Criteria: ACMG Guidelines, 2015. Collection method: clinical testing. Allele origin: germline.

GeneDx
Classification: Likely benign. Last evaluated: 2019-11-26. Review status: criteria provided, single submitter. Criteria: GeneDx Variant Classification Process June 2021. Collection method: clinical testing. Allele origin: germline. Affected: yes.

PreventionGenetics, part of Exact Sciences
Classification: Benign for IFT172-related condition. Last evaluated: 2019-09-05. Review status: no assertion criteria provided. Collection method: clinical testing. Allele origin: germline. Not counted in ClinVar's aggregate classification.
Comment: This variant is classified as benign based on ACMG/AMP sequence variant interpretation guidelines (Richards et al. 2015 PMID: 25741868, with internal and published modifications).

NM_015662.3(IFT172):c.4933G>A (p.Val1645Ile)

Genes: IFT172 (intraflagellar transport 172; minus strand), KRTCAP3 (keratinocyte associated protein 3; plus strand). Cytogenetic location: 2p23.3.
Variant type: single nucleotide variant.
Coding change: c.4933G>A on transcript NM_015662.3 (MANE Select); coding-DNA position 4933, G replaced by A.
Protein change: p.Val1645Ile; replaces valine 1645 with isoleucine.
Molecular consequence: missense variant. On other transcripts: intron variant (1).
Genome position (GRCh38, 1-based): chr2:27,445,431, C>T on the plus strand (G>A on the coding strand, the complement: IFT172 is on the minus strand). VCF-style: chr2-27445431-C-T. GRCh37 (hg19) VCF-style: chr2-27668298-C-T.
Other names: c.4867G>A, p.Val1623Ile (NM_001410739.1); c.*6-870C>T (NM_001168364.2); short protein forms V1645I, V1623I.
Identifiers: ClinVar variation 772582 (VCV000772582.18), dbSNP rs149117098, ClinGen allele CA1579408.